The following is an entry in ClinVar:

ClinVar aggregate classification (germline): Uncertain significance (1 of 4 stars; one submission).

Conditions:
Hereditary cancer-predisposing syndrome. Also called: Hereditary Cancer Syndrome; Hereditary neoplastic syndrome; Neoplastic Syndromes, Hereditary; Tumor predisposition. Identifiers: Orphanet 140162, MedGen C0027672, MeSH D009386, MONDO:0015356.

Submission:

Ambry Genetics
Classification: Uncertain significance for Hereditary cancer-predisposing syndrome. Last evaluated: 2022-06-20. Review status: criteria provided, single submitter. Criteria: Ambry Variant Classification Scheme 2023. Collection method: clinical testing. Allele origin: germline.
Comment: The p.C319F variant (also known as c.956G>T), located in coding exon 7 of the POLD1 gene, results from a G to T substitution at nucleotide position 956. The cysteine at codon 319 is replaced by phenylalanine, an amino acid with highly dissimilar properties. This amino acid position is conserved. In addition, this alteration is predicted to be deleterious by in silico analysis. Since supporting evidence is limited at this time, the clinical significance of this alteration remains unclear.

NM_002691.4(POLD1):c.956G>T (p.Cys319Phe)

Gene: POLD1 (DNA polymerase delta 1, catalytic subunit; plus strand). Cytogenetic location: 19q13.33.
Variant type: single nucleotide variant.
Coding change: c.956G>T on transcript NM_002691.4 (MANE Select); coding-DNA position 956, G replaced by T.
Protein change: p.Cys319Phe; replaces cysteine 319 with phenylalanine.
Molecular consequence: missense variant. On other transcripts: non-coding transcript variant (1).
Genome position (GRCh38, 1-based): chr19:50,402,727, G>T. VCF-style: chr19-50402727-G-T. GRCh37 (hg19) VCF-style: chr19-50905984-G-T.
Other names: c.956G>T, p.Cys319Phe (NM_001256849.1, NM_001308632.1); short protein forms C319F.
Identifiers: ClinVar variation 1767417 (VCV001767417.2), dbSNP rs2122260450, ClinGen allele CA406977397.